The following is an entry in ClinVar:

NM_024306.5(FA2H):c.266A>T (p.Gln89Leu)

Genes: FA2H (fatty acid 2-hydroxylase; minus strand), LOC130059393 (ATAC-STARR-seq lymphoblastoid silent region 7700; plus strand). Cytogenetic location: 16q23.1.
Variant type: single nucleotide variant.
Coding change: c.266A>T on transcript NM_024306.5 (MANE Select); coding-DNA position 266, A replaced by T.
Protein change: p.Gln89Leu; replaces glutamine 89 with leucine.
Molecular consequence: missense variant.
Genome position (GRCh38, 1-based): chr16:74,774,490, T>A on the plus strand (A>T on the coding strand, the complement: FA2H is on the minus strand). VCF-style: chr16-74774490-T-A. GRCh37 (hg19) VCF-style: chr16-74808388-T-A.
Other names: short protein forms Q89L.
Identifiers: ClinVar variation 885662 (VCV000885662.8), dbSNP rs1962971114, ClinGen allele CA396768059.

ClinVar aggregate classification (germline): Uncertain significance. Review status: criteria provided, multiple submitters, no conflicts (2 of 4 stars). 2 submissions from 2 submitters: Uncertain significance (2). Last evaluated 2022-08-04.

Conditions:
Hereditary spastic paraplegia 35. Also called: Spastic paraplegia 35; Spastic paraplegia 35, autosomal recessive; SPASTIC PARAPLEGIA 35, AUTOSOMAL RECESSIVE, WITH OR WITHOUT NEURODEGENERATION; LEUKODYSTROPHY, DYSMYELINATING, AND SPASTIC PARAPARESIS WITH OR WITHOUT DYSTONIA. Identifiers: Orphanet 171629, MedGen C3496228, MONDO:0012866, OMIM 612319.

gnomAD v4.1: 3 of 1,516,418 alleles (0.0002%); highest among the groups gnomAD compares: Non-Finnish European, 0.00026%; no homozygotes.

Submissions (2):

GeneDx
Classification: Uncertain significance. Last evaluated: 2022-08-04. Review status: criteria provided, single submitter. Criteria: GeneDx Variant Classification Process June 2021. Collection method: clinical testing. Allele origin: germline. Affected: yes.
Comment: Not observed at significant frequency in large population cohorts (gnomAD); In silico analysis supports that this missense variant does not alter protein structure/function; Has not been previously published as pathogenic or benign to our knowledge

Illumina Laboratory Services, Illumina
Classification: Uncertain significance for Hereditary spastic paraplegia 35. Last evaluated: 2018-01-13. Review status: criteria provided, single submitter. Criteria: ICSL Variant Classification Criteria 13 December 2019. Collection method: clinical testing. Allele origin: germline.